The following is an entry in ClinVar:

ClinVar aggregate classification (germline): Uncertain significance (1 of 4 stars; one submission).

Submission:

Labcorp Genetics (formerly Invitae), Labcorp
Classification: Uncertain significance. Last evaluated: 2024-10-23. Review status: criteria provided, single submitter. Criteria: Invitae Variant Classification Sherloc (09022015). Collection method: clinical testing. Allele origin: germline.
Comment: This sequence change replaces histidine, which is basic and polar, with tyrosine, which is neutral and polar, at codon 113 of the TRPV6 protein (p.His113Tyr). This variant is not present in population databases (gnomAD no frequency). This variant has not been reported in the literature in individuals affected with TRPV6-related conditions. Experimental studies and prediction algorithms are not available or were not evaluated, and the functional significance of this variant is currently unknown. In summary, the available evidence is currently insufficient to determine the role of this variant in disease. Therefore, it has been classified as a Variant of Uncertain Significance.

NM_018646.6(TRPV6):c.337C>T (p.His113Tyr)

Gene: TRPV6 (transient receptor potential cation channel subfamily V member 6; minus strand). Cytogenetic location: 7q34.
Variant type: single nucleotide variant.
Coding change: c.337C>T on transcript NM_018646.6 (MANE Select); coding-DNA position 337, C replaced by T.
Protein change: p.His113Tyr; replaces histidine 113 with tyrosine.
Molecular consequence: missense variant.
Genome position (GRCh38, 1-based): chr7:142,877,938, G>A on the plus strand (C>T on the coding strand, the complement: TRPV6 is on the minus strand). VCF-style: chr7-142877938-G-A. GRCh37 (hg19) VCF-style: chr7-142575691-G-A.
Other names: short protein forms H113Y.
Identifiers: ClinVar variation 3665101 (VCV003665101.2).